The following is an entry in ClinVar:

NM_001166108.2(PALLD):c.2151T>G (p.Ser717Arg)

Genes: CBR4 (carbonyl reductase 4; minus strand), PALLD (palladin, cytoskeletal associated protein; plus strand). Cytogenetic location: 4q32.3.
Variant type: single nucleotide variant.
Coding change: c.2151T>G on transcript NM_001166108.2 (MANE Select); coding-DNA position 2151, T replaced by G.
Protein change: p.Ser717Arg; replaces serine 717 with arginine.
Molecular consequence: missense variant.
Genome position (GRCh38, 1-based): chr4:168,894,629, T>G. VCF-style: chr4-168894629-T-G. GRCh37 (hg19) VCF-style: chr4-169815780-T-G.
Other names: c.1005T>G, p.Ser335Arg (NM_001166109.2); c.690T>G, p.Ser230Arg (NM_001166110.2); c.30T>G, p.Ser10Arg (NM_001367567.1, NM_001367568.1, NM_001367569.1 and 1 more transcripts); c.2151T>G, p.Ser717Arg (NM_016081.4); short protein forms S717R, S10R, S230R, S335R.
Identifiers: ClinVar variation 1786768 (VCV001786768.2), dbSNP rs2533638666, ClinGen allele CA358797723.

ClinVar aggregate classification (germline): Uncertain significance (1 of 4 stars; one submission).

Submission:

Ambry Genetics
Classification: Uncertain significance. Last evaluated: 2022-09-25. Review status: criteria provided, single submitter. Criteria: Ambry Variant Classification Scheme 2023. Collection method: clinical testing. Allele origin: germline.
Comment: The p.S717R variant (also known as c.2151T>G), located in coding exon 11 of the PALLD gene, results from a T to G substitution at nucleotide position 2151. The serine at codon 717 is replaced by arginine, an amino acid with dissimilar properties. This amino acid position is conserved. In addition, the in silico prediction for this alteration is inconclusive. Since supporting evidence is limited at this time, the clinical significance of this alteration remains unclear.